The following is an entry in ClinVar:

NM_005560.6(LAMA5):c.5013G>T (p.Thr1671=)

Gene: LAMA5 (laminin subunit alpha 5; minus strand). Cytogenetic location: 20q13.33.
Variant type: single nucleotide variant.
Coding change: c.5013G>T on transcript NM_005560.6 (MANE Select); coding-DNA position 5013, G replaced by T.
Protein change: p.Thr1671=; no amino-acid change (threonine 1671 retained).
Molecular consequence: synonymous variant.
Genome position (GRCh38, 1-based): chr20:62,327,332, C>A on the plus strand (G>T on the coding strand, the complement: LAMA5 is on the minus strand). VCF-style: chr20-62327332-C-A. GRCh37 (hg19) VCF-style: chr20-60902388-C-A.
Identifiers: ClinVar variation 3050684 (VCV003050684.2), dbSNP rs201803861, ClinGen allele CA9942374.

ClinVar aggregate classification (germline): Likely benign (0 of 4 stars; one submission).

Conditions:
LAMA5-related disorder. Also called: LAMA5-Related Disorders; LAMA5-related condition.

gnomAD v4.1: 1 of 1,602,378 alleles (0.000062%); highest among the groups gnomAD compares: Admixed American, 0.0017%; no homozygotes.

Submission:

PreventionGenetics, part of Exact Sciences
Classification: Likely benign for LAMA5-related condition. Last evaluated: 2023-07-11. Review status: no assertion criteria provided. Collection method: clinical testing. Allele origin: germline.
Comment: This variant is classified as likely benign based on ACMG/AMP sequence variant interpretation guidelines (Richards et al. 2015 PMID: 25741868, with internal and published modifications).